The following is an entry in ClinVar:

NM_000053.4(ATP7B):c.2960T>C (p.Leu987Pro)

Gene: ATP7B (ATPase copper transporting beta; minus strand). Cytogenetic location: 13q14.3.
Variant type: single nucleotide variant.
Coding change: c.2960T>C on transcript NM_000053.4 (MANE Select); coding-DNA position 2960, T replaced by C.
Protein change: p.Leu987Pro; replaces leucine 987 with proline.
Molecular consequence: missense variant. On other transcripts: intron variant (6).
Genome position (GRCh38, 1-based): chr13:51,946,384, A>G on the plus strand (T>C on the coding strand, the complement: ATP7B is on the minus strand). VCF-style: chr13-51946384-A-G. GRCh37 (hg19) VCF-style: chr13-52520520-A-G.
Other names: c.2864T>C, p.Leu955Pro (NM_001406518.1, NM_001406517.1); c.2825T>C, p.Leu942Pro (NM_001406519.1); c.2816T>C, p.Leu939Pro (NM_001406520.1, NM_001406521.1, NM_001406522.1); c.2960T>C, p.Leu987Pro (NM_001406523.1, NM_001406526.1, NM_001406511.1 and 2 more transcripts); c.2783T>C, p.Leu928Pro (NM_001406524.1); c.2726T>C, p.Leu909Pro (NM_001406527.1, NM_001330578.2, NM_001406528.1 and 1 more transcripts); c.2339T>C, p.Leu780Pro (NM_001005918.3); c.2627T>C, p.Leu876Pro (NM_001243182.2); and 18 more; short protein forms L557P, L771P, L780P, L793P, L825P, L844P, L871P, L876P.
Identifiers: ClinVar variation 3239362 (VCV003239362.19), dbSNP rs2547646817.
Genomic context (GRCh38, chr13:51,946,384, plus strand): 5'-ATGCCGTTCTGCGCGGCCACCCCGGTGCCCACCATGACAGCCGTGGGCGTGGCCAGCCCC[A>G]GGGAGCAGGGGCAGGCAATGCACAGCACCGTGATGGACGTCTGGAAAGCAAACCGGATGA-3'
Protein context (NP_000044.2, residues 977-997): TVLCIACPCS[Leu987Pro]GLATPTAVMV

ClinVar aggregate classification (germline): Likely pathogenic (1 of 4 stars; one submission).

Submission:

CeGaT Center for Human Genetics Tuebingen
Classification: Likely pathogenic. Last evaluated: 2024-08-01. Review status: criteria provided, single submitter. Criteria: CeGaT Center For Human Genetics Tuebingen Variant Classification Criteria Version 2. Collection method: clinical testing. Allele origin: germline. Affected: yes. Observed: 2 variant alleles.
Comment: ATP7B: PM2, PP4:Moderate, PM3:Supporting, PP3